The following is an entry in ClinVar:

ClinVar aggregate classification (germline): Uncertain significance (1 of 4 stars; one submission).

Conditions:
Early-infantile DEE. Also called: Early infantile epileptic encephalopathy; Ohtahara syndrome; Early infantile epileptic encephalopathy with suppression bursts. Identifiers: Orphanet 1934, MedGen C0393706, MONDO:0800491.

Allele frequency attached by ClinVar (database versions not stated): TOPMed below 0.00001; gnomAD 0.00001.
gnomAD v4.1: 1 of 1,607,354 alleles (0.000062%); highest among the groups gnomAD compares: Non-Finnish European, 0.000085%; no homozygotes.

Submission:

Labcorp Genetics (formerly Invitae), Labcorp
Classification: Uncertain significance for Early-infantile DEE. Last evaluated: 2018-08-17. Review status: criteria provided, single submitter. Criteria: Invitae Variant Classification Sherloc (09022015). Collection method: clinical testing. Allele origin: germline.
Comment: This sequence change replaces arginine with glycine at codon 1319 of the SCN1A protein (p.Arg1319Gly). The arginine residue is highly conserved and there is a moderate physicochemical difference between arginine and glycine. This variant is not present in population databases (ExAC no frequency). This variant has not been reported in the literature in individuals with SCN1A-related disease. Algorithms developed to predict the effect of missense changes on protein structure and function (SIFT, PolyPhen-2, Align-GVGD) all suggest that this variant is likely to be disruptive, but these predictions have not been confirmed by published functional studies and their clinical significance is uncertain. In summary, the available evidence is currently insufficient to determine the role of this variant in disease. Therefore, it has been classified as a Variant of Uncertain Significance. This variant identified in the SCN1A gene is located in the transmembrane D3-S4 region of the resulting protein (PMID: 25348405, 18804930), but it is unclear how this variant impacts the function of this protein.

Literature cited by the submitters: PubMed 25348405; PubMed 18804930.

NM_001165963.4(SCN1A):c.3955A>G (p.Arg1319Gly)

Genes: SCN1A (sodium voltage-gated channel alpha subunit 1; minus strand), LOC102724058 (uncharacterized LOC102724058; plus strand). Cytogenetic location: 2q24.3.
Variant type: single nucleotide variant.
Coding change: c.3955A>G on transcript NM_001165963.4 (MANE Select); coding-DNA position 3955, A replaced by G.
Protein change: p.Arg1319Gly; replaces arginine 1319 with glycine.
Molecular consequence: missense variant. On other transcripts: non-coding transcript variant (1).
Genome position (GRCh38, 1-based): chr2:166,009,766, T>C on the plus strand (A>G on the coding strand, the complement: SCN1A is on the minus strand). VCF-style: chr2-166009766-T-C. GRCh37 (hg19) VCF-style: chr2-166866276-T-C.
Other names: c.3871A>G, p.Arg1291Gly (NM_001165964.3, NM_001353957.2, NM_001353958.2); c.3955A>G, p.Arg1319Gly (NM_001202435.3, NM_001353948.2); c.3922A>G, p.Arg1308Gly (NM_001353949.2, NM_001353950.2, NM_001353951.2 and 2 more transcripts); c.3919A>G, p.Arg1307Gly (NM_001353954.2, NM_001353955.2); c.3868A>G, p.Arg1290Gly (NM_001353960.2); c.1513A>G, p.Arg505Gly (NM_001353961.2); short protein forms R1291G, R1307G, R505G, R1290G, R1319G, R1308G.
Identifiers: ClinVar variation 663255 (VCV000663255.9), dbSNP rs1553529492, ClinGen allele CA349053101.